The following is an entry in ClinVar:

NM_001128228.3(TPRN):c.2087G>A (p.Ser696Asn)

Gene: TPRN (taperin; minus strand). Cytogenetic location: 9q34.3.
Variant type: single nucleotide variant.
Coding change: c.2087G>A on transcript NM_001128228.3 (MANE Select); coding-DNA position 2087, G replaced by A.
Protein change: p.Ser696Asn; replaces serine 696 with asparagine.
Molecular consequence: missense variant.
Genome position (GRCh38, 1-based): chr9:137,192,161, C>T on the plus strand (G>A on the coding strand, the complement: TPRN is on the minus strand). VCF-style: chr9-137192161-C-T. GRCh37 (hg19) VCF-style: chr9-140086613-C-T.
Other names: short protein forms S696N.
Identifiers: ClinVar variation 3708444 (VCV003708444.2).
Genomic context (GRCh38, chr9:137,192,161, plus strand): 5'-CAGTGCTGGGCTCAGAAATACAGGGCTGGCTCGCTGCGGAAGTCCGAGAGGTCATTCTGA[C>T]TGGCGGGTGTGAGCTGAAAGTGAGAGGACAGAATGTGGACACATGGGCTCGCCCGGGTGT-3'
Protein context (NP_001121700.2, residues 686-706): PPVEAMLTPA[Ser696Asn]QNDLSDFRSE

ClinVar aggregate classification (germline): Uncertain significance (1 of 4 stars; one submission).

Submission:

Labcorp Genetics (formerly Invitae), Labcorp
Classification: Uncertain significance. Last evaluated: 2025-01-02. Review status: criteria provided, single submitter. Criteria: Invitae Variant Classification Sherloc (09022015). Collection method: clinical testing. Allele origin: germline.
Comment: This sequence change replaces serine, which is neutral and polar, with asparagine, which is neutral and polar, at codon 696 of the TPRN protein (p.Ser696Asn). This variant is not present in population databases (gnomAD no frequency). This variant has not been reported in the literature in individuals affected with TPRN-related conditions. Invitae Evidence Modeling of protein sequence and biophysical properties (such as structural, functional, and spatial information, amino acid conservation, physicochemical variation, residue mobility, and thermodynamic stability) indicates that this missense variant is not expected to disrupt TPRN protein function with a negative predictive value of 80%. In summary, the available evidence is currently insufficient to determine the role of this variant in disease. Therefore, it has been classified as a Variant of Uncertain Significance.